The following is an entry in ClinVar:

ClinVar aggregate classification (germline): Uncertain significance (1 of 4 stars; one submission).

Conditions:
Inborn genetic diseases. Identifiers: MedGen C0950123, MeSH D030342.

Submission:

Ambry Genetics
Classification: Uncertain significance for Inborn genetic diseases. Last evaluated: 2026-07-20. Review status: criteria provided, single submitter. Criteria: Ambry Variant Classification Scheme 2023. Collection method: clinical testing. Allele origin: germline.
Comment: The p.G1527V variant (also known as c.4580G>T), located in coding exon 1 of the SAMD9L gene, results from a G to T substitution at nucleotide position 4580. The glycine at codon 1527 is replaced by valine, an amino acid with dissimilar properties. This amino acid position is conserved. In addition, this alteration is predicted to be deleterious by in silico analysis. Based on the available evidence, the clinical significance of this variant remains unclear.

NM_152703.5(SAMD9L):c.4580G>T (p.Gly1527Val)

Gene: SAMD9L (sterile alpha motif domain containing 9 like; minus strand). Cytogenetic location: 7q21.2.
Variant type: single nucleotide variant.
Coding change: c.4580G>T on transcript NM_152703.5 (MANE Select); coding-DNA position 4580, G replaced by T.
Protein change: p.Gly1527Val; replaces glycine 1527 with valine.
Molecular consequence: missense variant.
Genome position (GRCh38, 1-based): chr7:93,131,392, C>A on the plus strand (G>T on the coding strand, the complement: SAMD9L is on the minus strand). VCF-style: chr7-93131392-C-A. GRCh37 (hg19) VCF-style: chr7-92760705-C-A.
Other names: c.4580G>T, p.Gly1527Val (NM_001303496.3, NM_001303497.3, NM_001303498.3 and 5 more transcripts); short protein forms G1527V.
Identifiers: ClinVar variation 5028904 (VCV005028904.1).